The following is an entry in ClinVar:

ClinVar aggregate classification (germline): Pathogenic (1 of 4 stars; one submission).

Submission:

Labcorp Genetics (formerly Invitae), Labcorp
Classification: Pathogenic. Last evaluated: 2024-10-11. Review status: criteria provided, single submitter. Criteria: Invitae Variant Classification Sherloc (09022015). Collection method: clinical testing. Allele origin: germline.
Comment: This sequence change creates a premature translational stop signal (p.Met268Aspfs*18) in the FBXW7 gene. It is expected to result in an absent or disrupted protein product. Loss-of-function variants in FBXW7 are known to be pathogenic (PMID: 35395208). This variant is not present in population databases (gnomAD no frequency). This variant has not been reported in the literature in individuals affected with FBXW7-related conditions. For these reasons, this variant has been classified as Pathogenic.

Literature cited by the submitters: PubMed 35395208.

NM_001349798.2(FBXW7):c.802_803del (p.Met268fs)

Genes: FBXW7 (F-box and WD repeat domain containing 7; minus strand), FBXW7-AS1 (FBXW7 antisense RNA 1; plus strand). Cytogenetic location: 4q31.3.
Variant type: Microsatellite.
Coding change: c.802_803del on transcript NM_001349798.2 (MANE Select); coding-DNA positions 802 to 803, 2 bases deleted (AT; older notation c.802_803delAT).
Protein change: p.Met268fs; shifts the reading frame from methionine 268.
Molecular consequence: frameshift variant. On other transcripts: non-coding transcript variant (1).
Genome position (GRCh38, 1-based): chr4:152,337,860-152,337,861, AT deleted on the plus strand (AT on the coding strand, the reverse complement: FBXW7 is on the minus strand); deleting any 2 consecutive bases within chr4:152,337,860-152,337,863 gives the same sequence; the c. name uses the placement nearest the transcript's 3' end. VCF-style (leftmost placement, unchanged base first): chr4-152337859-CAT-C. GRCh37 (hg19) VCF-style: chr4-153259011-CAT-C.
Other names: c.448_449del, p.Met150fs (NM_001013415.2); c.562_563del, p.Met188fs (NM_018315.5); c.802_803del, p.Met268fs (NM_033632.3); short protein forms M150fs, M188fs, M268fs.
Identifiers: ClinVar variation 3722731 (VCV003722731.2).